The following is an entry in ClinVar:

ClinVar aggregate classification (germline): Conflicting classifications of pathogenicity. Review status: criteria provided, conflicting classifications (1 of 4 stars). 4 submissions from 4 submitters: Uncertain significance (3); Likely benign (1). Last evaluated 2025-11-25.

Conditions:
Norman-Roberts syndrome (LIS2). Also called: Lissencephaly 2 (Norman-Roberts type). Identifiers: Orphanet 89844, MedGen C0796089, MONDO:0009760, OMIM 257320.
Familial temporal lobe epilepsy 7. Identifiers: Orphanet 101046, MedGen C4225327, MONDO:0014639, OMIM 616436.

Allele frequency attached by ClinVar (database versions not stated): gnomAD exomes 0.00001 and 0.00004; gnomAD 0.00003; TOPMed 0.00003; ExAC 0.00004.
gnomAD v4.1: 28 of 1,601,670 alleles (0.0017%); highest among the groups gnomAD compares: Middle Eastern, 0.017%; no homozygotes.

Submissions (4):

Dasa
Classification: Uncertain significance for Familial temporal lobe epilepsy 7. Last evaluated: 2025-11-25. Review status: criteria provided, single submitter. Criteria: DASA Assertion Criteria. Collection method: clinical testing. Allele origin: germline.
Comment: NM_005045.4(RELN):c.2476G>A (p.Val826Ile) is a missense variant that results in the substitution of valine with isoleucine. This variant is rare in population databases. The currently available literature and clinical evidence are not sufficient to establish a definitive association between this variant and the reported condition. Therefore, this variant is classified as a variant of uncertain significance.

Labcorp Genetics (formerly Invitae), Labcorp
Classification: Likely benign for Familial temporal lobe epilepsy 7; Norman-Roberts syndrome. Last evaluated: 2025-03-17. Review status: criteria provided, single submitter. Criteria: Invitae Variant Classification Sherloc (09022015). Collection method: clinical testing. Allele origin: germline.

Blueprint Genetics
Classification: Uncertain significance. Last evaluated: 2024-03-26. Review status: criteria provided, single submitter. Criteria: ACMG Guidelines, 2015. Collection method: clinical testing. Allele origin: germline.

Illumina Laboratory Services, Illumina
Classification: Uncertain significance for Norman-Roberts syndrome. Last evaluated: 2018-01-13. Review status: criteria provided, single submitter. Criteria: ICSL Variant Classification Criteria 13 December 2019. Collection method: clinical testing. Allele origin: germline.

NM_005045.4(RELN):c.2476G>A (p.Val826Ile)

Gene: RELN (reelin; minus strand). Cytogenetic location: 7q22.1.
Variant type: single nucleotide variant.
Coding change: c.2476G>A on transcript NM_005045.4 (MANE Select); coding-DNA position 2476, G replaced by A.
Protein change: p.Val826Ile; replaces valine 826 with isoleucine.
Molecular consequence: missense variant.
Genome position (GRCh38, 1-based): chr7:103,630,166, C>T on the plus strand (G>A on the coding strand, the complement: RELN is on the minus strand). VCF-style: chr7-103630166-C-T. GRCh37 (hg19) VCF-style: chr7-103270613-C-T.
Other names: c.2476G>A, p.Val826Ile (NM_173054.3); short protein forms V826I.
Identifiers: ClinVar variation 642468 (VCV000642468.13), dbSNP rs369844245, ClinGen allele CA4421985.